The following is an entry in ClinVar:

ClinVar aggregate classification (germline): Likely benign. Review status: reviewed by expert panel (3 of 4 stars). 5 submissions from 5 submitters: Likely benign (1). 4 of the submissions do not count toward it. Last evaluated 2025-12-19.

Conditions:
Immunodeficiency 14 (IMD14A). Also called: Activated PI3K Delta Syndrome Type 1 (APDS1); IMMUNODEFICIENCY 14A WITH LYMPHOPROLIFERATION, AUTOSOMAL DOMINANT; p110-DELTA-ACTIVATING MUTATION CAUSING SENESCENT T CELLS, LYMPHADENOPATHY, AND IMMUNODEFICIENCY; ACTIVATED PI3K-DELTA SYNDROME 1. Identifiers: Orphanet 397596, Orphanet 693661, MedGen C5907821, MONDO:0014222, OMIM 615513.

Allele frequency attached by ClinVar (database versions not stated): ESP Exome Variant Server 0.00008; ExAC 0.00009; gnomAD exomes 0.00010 and 0.00012; gnomAD 0.00015 and 0.00016; TOPMed 0.00015.
gnomAD v4.1: 198 of 1,552,156 alleles (0.013%); highest among the groups gnomAD compares: Middle Eastern, 0.046%; no homozygotes.

Submissions (5):

ClinGen Primary Immune Regulatory Disorders Variant Curation Expert Panel, ClinGen
Classification: Likely benign for Immunodeficiency 14. Last evaluated: 2025-12-19. Review status: reviewed by expert panel. Criteria: ClinGen AbDef ACMG Specifications PIK3CD V1.0.0. Collection method: curation. Allele origin: germline. Inheritance: Autosomal dominant inheritance.
Comment: NM_005026.5(PIK3CD):c.780+3G>A is a non-coding variant in intron 6. This variant is present in gnomAD v4.1.0 at a total combined allele frequency of 0.0001276, with 198 alleles / 1,552,156 total alleles across all populations of gnomAD, which is higher than the ClinGen Antibody Deficiencies VCEP PM2_Supporting threshold of <0.00000132. This variant is present in gnomAD v4.1.0 at a GrpMax allele frequency of 0.0001318, with 173 alleles / 1,148,784 total alleles in the European (non-Finnish) population, which is lower than the BS1 threshold of >0.000316, so no population code can be applied. The splicing predictor SpliceAI gives a delta score of 0.01 for splice acceptor gain, which is below the ClinGen Antibody Deficiencies VCEP threshold of <0.1 (BP4). This variant falls within the splice acceptor region between the +1 to +6 positions relative to exon 6, which is considered ineligible for the BP7 code. In summary, this variant meets the criteria to be classified as likely benign for autosomal dominant immunodeficiency 14 based on the ACMG/AMP criteria applied, as specified by the ClinGen Antibody Deficiencies VCEP: BP4. (VCEP specifications version 1.0.0).

Labcorp Genetics (formerly Invitae), Labcorp
Classification: Uncertain significance for Activated PI3K-delta syndrome. Last evaluated: 2026-02-01. Review status: criteria provided, single submitter. Criteria: Invitae Variant Classification Sherloc (09022015). Collection method: clinical testing. Allele origin: germline. Not counted in ClinVar's aggregate classification.
Comment: This sequence change falls in intron 6 of the PIK3CD gene. It does not directly change the encoded amino acid sequence of the PIK3CD protein. It affects a nucleotide within the consensus splice site. This variant is present in population databases (rs370943912, gnomAD 0.02%). This variant has not been reported in the literature in individuals affected with PIK3CD-related conditions. ClinVar contains an entry for this variant (Variation ID: 572074). Variants that disrupt the consensus splice site are a relatively common cause of aberrant splicing (PMID: 17576681, 9536098). Algorithms developed to predict the effect of sequence changes on RNA splicing suggest that this variant is not likely to affect RNA splicing. In summary, the available evidence is currently insufficient to determine the role of this variant in disease. Therefore, it has been classified as a Variant of Uncertain Significance.

Mayo Clinic Laboratories, Mayo Clinic
Classification: Likely benign. Last evaluated: 2025-04-02. Review status: criteria provided, single submitter. Criteria: ACMG Guidelines, 2015. Collection method: clinical testing. Allele origin: germline. Observed: 2 variant alleles. Not counted in ClinVar's aggregate classification.
Comment: BP4

Blueprint Genetics
Classification: Likely benign. Last evaluated: 2024-11-25. Review status: criteria provided, single submitter. Criteria: ACMG Guidelines, 2015. Collection method: clinical testing. Allele origin: germline. Not counted in ClinVar's aggregate classification.

CeGaT Center for Human Genetics Tuebingen
Classification: Likely benign. Last evaluated: 2023-02-01. Review status: criteria provided, single submitter. Criteria: CeGaT Center For Human Genetics Tuebingen Variant Classification Criteria Version 2. Collection method: clinical testing. Allele origin: germline. Affected: yes. Observed: 2 variant alleles. Not counted in ClinVar's aggregate classification.
Comment: PIK3CD: BP4

Literature cited by the submitters: PubMed 17576681 (cited by Labcorp Genetics (formerly Invitae), Labcorp); PubMed 9536098 (cited by Labcorp Genetics (formerly Invitae), Labcorp).

NM_005026.5(PIK3CD):c.780+3G>A

Gene: PIK3CD (phosphatidylinositol-4,5-bisphosphate 3-kinase catalytic subunit delta; plus strand). Cytogenetic location: 1p36.22.
Variant type: single nucleotide variant.
Coding change: c.780+3G>A on transcript NM_005026.5 (MANE Select); 3 bases into the intron after coding-DNA position 780, G replaced by A.
Molecular consequence: intron variant.
Genome position (GRCh38, 1-based): chr1:9,716,622, G>A. VCF-style: chr1-9716622-G-A. GRCh37 (hg19) VCF-style: chr1-9776680-G-A.
Other names: p.?; c.780+3G>A (NM_001350234.2, NM_001350235.1, LRG_191t1).
Identifiers: ClinVar variation 572074 (VCV000572074.53), dbSNP rs370943912, ClinGen allele CA576967.